The following is an entry in ClinVar:

NM_145861.4(EDARADD):c.543G>T (p.Glu181Asp)

Gene: EDARADD (EDAR associated via death domain; plus strand). Cytogenetic location: 1q43.
Variant type: single nucleotide variant.
Coding change: c.543G>T on transcript NM_145861.4 (MANE Select); coding-DNA position 543, G replaced by T.
Protein change: p.Glu181Asp; replaces glutamic acid 181 with aspartic acid.
Molecular consequence: missense variant.
Genome position (GRCh38, 1-based): chr1:236,482,544, G>T. VCF-style: chr1-236482544-G-T. GRCh37 (hg19) VCF-style: chr1-236645844-G-T.
Other names: c.477G>T, p.Glu159Asp (NM_001422628.1); c.513G>T, p.Glu171Asp (NM_080738.5); short protein forms E159D, E181D, E171D.
Identifiers: ClinVar variation 2952473 (VCV002952473.3), dbSNP rs2526927576, ClinGen allele CA345354626.

ClinVar aggregate classification (germline): Uncertain significance (1 of 4 stars; one submission).

Conditions:
Ectodermal dysplasia 11A, hypohidrotic/hair/tooth type, autosomal dominant. Identifiers: Orphanet 1810, Orphanet 238468, MedGen C3541517, MONDO:0013982, OMIM 614940.
Ectodermal dysplasia 11B, hypohidrotic/hair/tooth type, autosomal recessive. Identifiers: Orphanet 238468, Orphanet 248, MedGen C3539920, MONDO:0013983, OMIM 614941.

Submission:

Labcorp Genetics (formerly Invitae), Labcorp
Classification: Uncertain significance for Ectodermal dysplasia 11B, hypohidrotic/hair/tooth type, autosomal recessive; Ectodermal dysplasia 11A, hypohidrotic/hair/tooth type, autosomal dominant. Last evaluated: 2023-10-04. Review status: criteria provided, single submitter. Criteria: Invitae Variant Classification Sherloc (09022015). Collection method: clinical testing. Allele origin: germline.
Comment: This sequence change replaces glutamic acid, which is acidic and polar, with aspartic acid, which is acidic and polar, at codon 181 of the EDARADD protein (p.Glu181Asp). This variant is not present in population databases (gnomAD no frequency). This variant has not been reported in the literature in individuals affected with EDARADD-related conditions. Algorithms developed to predict the effect of missense changes on protein structure and function output the following: SIFT: "Not Available"; PolyPhen-2: "Benign"; Align-GVGD: "Not Available". The aspartic acid amino acid residue is found in multiple mammalian species, which suggests that this missense change does not adversely affect protein function. In summary, the available evidence is currently insufficient to determine the role of this variant in disease. Therefore, it has been classified as a Variant of Uncertain Significance.